The following is an entry in ClinVar:

ClinVar aggregate classification (germline): Uncertain significance (1 of 4 stars; one submission).

Conditions:
Hereditary cancer-predisposing syndrome. Also called: Hereditary Cancer Syndrome; Hereditary neoplastic syndrome; Neoplastic Syndromes, Hereditary; Tumor predisposition. Identifiers: Orphanet 140162, MedGen C0027672, MeSH D009386, MONDO:0015356.

gnomAD v4.1: 1 of 1,614,204 alleles (0.000062%); highest among the groups gnomAD compares: African/African-American, 0.0013%; no homozygotes.

Submission:

Ambry Genetics
Classification: Uncertain significance for Hereditary cancer-predisposing syndrome. Last evaluated: 2025-07-14. Review status: criteria provided, single submitter. Criteria: Ambry Variant Classification Scheme 2023. Collection method: clinical testing. Allele origin: germline.
Comment: The p.Y813C variant (also known as c.2438A>G), located in coding exon 20 of the EGFR gene, results from an A to G substitution at nucleotide position 2438. The tyrosine at codon 813 is replaced by cysteine, an amino acid with highly dissimilar properties. This amino acid position is not well conserved in available vertebrate species. In addition, the in silico prediction for this alteration is inconclusive. Based on the available evidence, the clinical significance of this variant remains unclear.

NM_005228.5(EGFR):c.2438A>G (p.Tyr813Cys)

Genes: EGFR (epidermal growth factor receptor; plus strand), EGFR-AS1 (EGFR antisense RNA 1; minus strand). Cytogenetic location: 7p11.2.
Variant type: single nucleotide variant.
Coding change: c.2438A>G on transcript NM_005228.5 (MANE Select); coding-DNA position 2438, A replaced by G.
Protein change: p.Tyr813Cys; replaces tyrosine 813 with cysteine.
Molecular consequence: missense variant. On other transcripts: non-coding transcript variant (1).
Genome position (GRCh38, 1-based): chr7:55,181,447, A>G. VCF-style: chr7-55181447-A-G. GRCh37 (hg19) VCF-style: chr7-55249140-A-G.
Other names: c.2303A>G, p.Tyr768Cys (NM_001346897.2, NM_001346899.2); c.2438A>G, p.Tyr813Cys (NM_001346898.2); c.2279A>G, p.Tyr760Cys (NM_001346900.2); c.1637A>G, p.Tyr546Cys (NM_001346941.2); short protein forms Y768C, Y760C, Y546C, Y813C.
Identifiers: ClinVar variation 4247289 (VCV004247289.1).